The following is an entry in ClinVar:

ClinVar aggregate classification (germline): Pathogenic (1 of 4 stars; one submission).

Submission:

Labcorp Genetics (formerly Invitae), Labcorp
Classification: Pathogenic. Last evaluated: 2023-02-28. Review status: criteria provided, single submitter. Criteria: Invitae Variant Classification Sherloc (09022015). Collection method: clinical testing. Allele origin: unknown.
Comment: A gross deletion of the genomic region encompassing the full coding sequence of the MAK gene has been identified. Loss-of-function variants in MAK are known to be pathogenic (PMID: 21148103, 21825139, 24938718, 29781741). The boundaries of this event are unknown as they extend beyond the assayed region for this gene and therefore may encompass additional genes. This variant has not been reported in the literature in individuals affected with MAK-related conditions. For these reasons, this variant has been classified as Pathogenic.

Literature cited by the submitters: PubMed 21148103; PubMed 21825139; PubMed 24938718; PubMed 29781741.

NC_000006.11:g.(?_10764685)_(10830881_?)del

Gene: MAK (male germ cell associated kinase; minus strand). Cytogenetic location: 6p24.2.
Variant type: Deletion.
Identifiers: ClinVar variation 3246151 (VCV003246151.1).